The following is an entry in ClinVar:

NM_001282874.2(SMARCA1):c.757C>T (p.Arg253Ter)

Gene: SMARCA1 (SNF2 related chromatin remodeling ATPase 1; minus strand). Cytogenetic location: Xq26.1.
Variant type: single nucleotide variant.
Coding change: c.757C>T on transcript NM_001282874.2 (MANE Select); coding-DNA position 757, C replaced by T.
Protein change: p.Arg253Ter; replaces arginine 253 with a stop codon.
Molecular consequence: nonsense.
Genome position (GRCh38, 1-based): chrX:129,511,857, G>A on the plus strand (C>T on the coding strand, the complement: SMARCA1 is on the minus strand). VCF-style: chrX-129511857-G-A. GRCh37 (hg19) VCF-style: chrX-128645834-G-A.
Other names: c.757C>T, p.Arg253Ter (NM_001282875.2, NM_001378261.1, NM_001378262.1 and 3 more transcripts); short protein forms R253*.
Identifiers: ClinVar variation 3901143 (VCV003901143.2).

ClinVar aggregate classification (germline): Likely pathogenic. Review status: criteria provided, single submitter (1 of 4 stars). 2 submissions from 2 submitters: Likely pathogenic (1). 1 of the submissions does not count toward it. Last evaluated 2025-05-01.

Conditions:
NEURODEVELOPMENTAL DISORDER WITH OR WITHOUT MACROCEPHALY (NEDMAC). Identifiers: MedGen CN382567, OMIM 301174.
Neurodevelopmental disorder. Identifiers: MedGen C1535926, MeSH D065886, MONDO:0700092.

Submissions (2):

Developmental Brain Disorders Lab, Seattle Children's Hospital
Classification: Likely pathogenic for Neurodevelopmental disorder. Last evaluated: 2025-05-01. Review status: criteria provided, single submitter. Criteria: ACMG Guidelines, 2015. Collection method: research. Allele origin: maternal. Affected: yes.
Comment: This variant is a nonsense variant in a gene where loss of function is a proposed mechanism of disease. It is absent in gnomAD v4.1.0. It meets ACMG variant classification criteria (PVS1, PM2) (PMID:25741868).

OMIM
Classification: Pathogenic for NEURODEVELOPMENTAL DISORDER WITH OR WITHOUT MACROCEPHALY. Last evaluated: 2026-11-10. Review status: no assertion criteria provided. Collection method: literature only. Allele origin: germline. Not counted in ClinVar's aggregate classification.

Literature cited by the submitters: PubMed 41213919 (cited by OMIM).